The following is an entry in ClinVar:

ClinVar aggregate classification (germline): Uncertain significance (1 of 4 stars; one submission).

Conditions:
Factor XIII, b subunit, deficiency of. Also called: Factor XIII subunit B deficiency. Identifiers: Orphanet 331, MedGen C2750481, MONDO:0013190, OMIM 613235, HP:0040234.

gnomAD v4.1: 2 of 1,613,970 alleles (0.00012%); highest among the groups gnomAD compares: Non-Finnish European, 0.00017%; no homozygotes.

Submission:

Juno Genomics, Hangzhou Juno Genomics, Inc
Classification: Uncertain significance for Factor XIII, b subunit, deficiency of. Review status: criteria provided, single submitter. Criteria: ACMG Guidelines, 2015. Collection method: clinical testing. Allele origin: germline.
Comment: Absent from controls (or at extremely low frequency if recessive) in Genome Aggregation Database.

NM_001994.3(F13B):c.875A>G (p.Tyr292Cys)

Gene: F13B (coagulation factor XIII B chain; minus strand). Cytogenetic location: 1q31.3.
Variant type: single nucleotide variant.
Coding change: c.875A>G on transcript NM_001994.3 (MANE Select); coding-DNA position 875, A replaced by G.
Protein change: p.Tyr292Cys; replaces tyrosine 292 with cysteine.
Molecular consequence: missense variant.
Genome position (GRCh38, 1-based): chr1:197,057,396, T>C on the plus strand (A>G on the coding strand, the complement: F13B is on the minus strand). VCF-style: chr1-197057396-T-C. GRCh37 (hg19) VCF-style: chr1-197026526-T-C.
Other names: short protein forms Y292C.
Identifiers: ClinVar variation 5005448 (VCV005005448.2).